The following is an entry in ClinVar:

ClinVar aggregate classification (germline): Likely pathogenic (1 of 4 stars; one submission).

Conditions:
Alstrom syndrome (ALMS). Identifiers: Orphanet 64, MedGen C0268425, MONDO:0008763, OMIM 203800.

Submission:

Labcorp Genetics (formerly Invitae), Labcorp
Classification: Likely pathogenic for Alstrom syndrome. Last evaluated: 2022-08-27. Review status: criteria provided, single submitter. Criteria: Invitae Variant Classification Sherloc (09022015). Collection method: clinical testing. Allele origin: germline.
Comment: In summary, the currently available evidence indicates that the variant is pathogenic, but additional data are needed to prove that conclusively. Therefore, this variant has been classified as Likely Pathogenic. Algorithms developed to predict the effect of sequence changes on RNA splicing suggest that this variant may disrupt the consensus splice site. This variant has not been reported in the literature in individuals affected with ALMS1-related conditions. This variant is not present in population databases (gnomAD no frequency). This variant results in the deletion of part of exon 14 (c.10216_10216+2del) of the ALMS1 gene. It is expected to disrupt RNA splicing. Variants that disrupt the donor or acceptor splice site typically lead to a loss of protein function (PMID: 16199547), and loss-of-function variants in ALMS1 are known to be pathogenic (PMID: 17594715).

Literature cited by the submitters: PubMed 16199547; PubMed 17594715.

NM_001378454.1(ALMS1):c.10213_10213+2del

Gene: ALMS1 (ALMS1 centrosome and basal body associated protein; plus strand). Cytogenetic location: 2p13.1.
Variant type: Deletion.
Coding change: c.10213_10213+2del on transcript NM_001378454.1 (MANE Select); coding-DNA position 10213 through the canonical splice donor site of the intron after coding-DNA position 10213, 3 bases deleted (GGT; older notation c.10213_10213+2delGGT).
Molecular consequence: splice donor variant.
Genome position (GRCh38, 1-based): chr2:73,557,354-73,557,356, GGT deleted. VCF-style (leftmost placement, unchanged base first): chr2-73557353-AGGT-A. GRCh37 (hg19) VCF-style: chr2-73784480-AGGT-A.
Other names: c.10213_10213+2del (NM_015120.4).
Identifiers: ClinVar variation 2027300 (VCV002027300.4), dbSNP rs2466403086, ClinGen allele CA2580068154.